The following is an entry in ClinVar:

ClinVar aggregate classification (germline): Pathogenic. Review status: reviewed by expert panel (3 of 4 stars). 13 submissions from 13 submitters: Pathogenic (1). 12 of the submissions do not count toward it. Last evaluated 2016-04-22.

Conditions:
Pancreatic cancer, susceptibility to, 2. Identifiers: Orphanet 1333, MedGen C3150546, MONDO:0013235, OMIM 613347.
Glioma susceptibility 3 (GLM3). Also called: Glioblastoma 3. Identifiers: Orphanet 182067, Orphanet 360, MedGen C2751641, MONDO:0013093, OMIM 613029.
Familial prostate cancer. Also called: Hereditary Prostate Cancer. Identifiers: MedGen C2931456, MONDO:0700275, OMIM 176807.
Breast-ovarian cancer, familial, susceptibility to, 2 (BROVCA2). Also called: BRCA2 Hereditary Breast and Ovarian Cancer. Identifiers: Orphanet 145, MedGen C2675520, MONDO:0012933, OMIM 612555. Disease mechanism: loss of function.
Fanconi anemia complementation group D1. Also called: BRCA2-Related Fanconi Anemia. Identifiers: Orphanet 319462, MedGen C1838457, MONDO:0011584, OMIM 605724.
Medulloblastoma (MDB). Also called: Medulloblastoma, somatic; MEDULLOBLASTOMA PREDISPOSITION SYNDROME. Identifiers: Orphanet 616, MedGen C0025149, MeSH D008527, MONDO:0007959, OMIM 155255, HP:0002885.
Wilms tumor 1 (WT1). Also called: Wilms tumor, somatic. Identifiers: Orphanet 654, MedGen CN033288, MONDO:0008679, OMIM 194070.
Familial cancer of breast. Also called: BREAST CANCER, FAMILIAL; hereditary breast carcinoma; Hereditary breast cancer. Identifiers: Orphanet 227535, MedGen C0346153, MONDO:0016419, OMIM 114480. Disease mechanism: loss of function.
Hereditary cancer-predisposing syndrome. Also called: Neoplastic Syndromes, Hereditary; Tumor predisposition; Hereditary Cancer Syndrome; Hereditary neoplastic syndrome. Identifiers: Orphanet 140162, MedGen C0027672, MeSH D009386, MONDO:0015356.
Hereditary breast ovarian cancer syndrome. Also called: Breast and ovarian cancer; Hereditary breast and ovarian cancer; Hereditary breast and ovarian cancer syndrome (HBOC); Hereditary breast and ovarian cancer syndrome; BRCA1- and BRCA2-Associated Hereditary Breast and Ovarian Cancer; Hereditary breast and/or ovarian cancer syndrome. Identifiers: Orphanet 145, MedGen C0677776, MeSH D061325, MONDO:0003582. Disease mechanism: loss of function.

Submissions 1 to 8 of 13:

Evidence-based Network for the Interpretation of Germline Mutant Alleles (ENIGMA)
Classification: Pathogenic for Breast-ovarian cancer, familial, susceptibility to, 2. Last evaluated: 2016-04-22. Review status: reviewed by expert panel. Criteria: ENIGMA BRCA1/2 Classification Criteria (2015). Collection method: curation. Allele origin: germline.
Comment: Variant allele predicted to encode a truncated non-functional protein.

Labcorp Genetics (formerly Invitae), Labcorp
Classification: Pathogenic for Hereditary breast ovarian cancer syndrome. Last evaluated: 2025-12-16. Review status: criteria provided, single submitter. Criteria: Invitae Variant Classification Sherloc (09022015). Collection method: clinical testing. Allele origin: germline. Not counted in ClinVar's aggregate classification.
Comment: This sequence change creates a premature translational stop signal (p.Glu260Serfs*15) in the BRCA2 gene. It is expected to result in an absent or disrupted protein product. Loss-of-function variants in BRCA2 are known to be pathogenic (PMID: 20104584). This variant is not present in population databases (gnomAD no frequency). This premature translational stop signal has been observed in individual(s) with breast or endometrial cancer (PMID: 8673090, 26681312, 28008555). This variant is also known as delAG at nucleotide 775. ClinVar contains an entry for this variant (Variation ID: 38119). For these reasons, this variant has been classified as Pathogenic.

Ambry Genetics
Classification: Pathogenic for Hereditary cancer-predisposing syndrome. Last evaluated: 2024-08-20. Review status: criteria provided, single submitter. Criteria: Ambry Variant Classification Scheme 2023. Collection method: clinical testing. Allele origin: germline. Not counted in ClinVar's aggregate classification.
Comment: The c.778_779delGA pathogenic mutation, located in coding exon 8 of the BRCA2 gene, results from a deletion of two nucleotides at nucleotide positions 778 to 779, causing a translational frameshift with a predicted alternate stop codon (p.E260Sfs*15). This alteration has been reported in individuals diagnosed with head and neck squamous cell carcinoma, endometrial, breast and pancreatic cancer (Susswein LR et al. Genet. Med., 2016 08;18:823-32; Chandrasekharappa SC et al. Cancer, 2017 Oct;123:3943-3954; Pritzlaff M et al. Breast Cancer Res Treat, 2017 02;161:575-586; Bannon SA et al. Cancer Prev Res (Phila), 2018 11;11:679-686; Dorling et al. N Engl J Med. 2021 02;384:428-439). Additionally, this alteration was identified in a large, worldwide study of BRCA1/2 mutation positive families (Rebbeck TR et al. Hum Mutat, 2018 05;39:593-620). In addition to the clinical data presented in the literature, this alteration is expected to result in loss of function by premature protein truncation or nonsense-mediated mRNA decay. As such, this alteration is interpreted as a disease-causing mutation.

Quest Diagnostics Nichols Institute San Juan Capistrano
Classification: Pathogenic. Last evaluated: 2024-08-06. Review status: criteria provided, single submitter. Criteria: Quest Diagnostics criteria. Collection method: clinical testing. Allele origin: unknown. Not counted in ClinVar's aggregate classification.
Comment: The BRCA2 c.778_779del (p.Glu260Serfs*15) variant alters the translational reading frame of the BRCA2 mRNA and causes the premature termination of BRCA2 protein synthesis. This variant has been reported in the published literature in a family with male and female breast cancer cases (PMIDs: 8673090 (1996)). This variant has not been reported in large, multi-ethnic general populations (Genome Aggregation Database). Based on the available information, this variant is classified as pathogenic.

Fulgent Genetics
Classification: Pathogenic for Familial cancer of breast; Medulloblastoma; Familial prostate cancer; Wilms tumor 1; Fanconi anemia complementation group D1; Breast-ovarian cancer, familial, susceptibility to, 2; Glioma susceptibility 3; Pancreatic cancer, susceptibility to, 2. Last evaluated: 2024-04-18. Review status: criteria provided, single submitter. Criteria: ACMG Guidelines, 2015. Collection method: clinical testing. Allele origin: germline. Not counted in ClinVar's aggregate classification.

All of Us Research Program, National Institutes of Health
Classification: Pathogenic for Breast-ovarian cancer, familial, susceptibility to, 2. Last evaluated: 2023-11-10. Review status: criteria provided, single submitter. Criteria: ACMG Guidelines, 2015. Collection method: clinical testing. Allele origin: germline. Inheritance: Autosomal dominant inheritance. Observed: 1 variant allele, 1 heterozygote. Not counted in ClinVar's aggregate classification.
Comment: The c.778_779del (p.Glu260Serfs*15) variant in the BRCA2 gene is located on the exon 9 and is predicted to cause shift of reading frame that introduces a premature translation termination codon (p.Glu260Serfs*15), resulting in an absent or disrupted protein product. The variant has been reported in multiple individuals with breast cancer (PMID: 29446198, 32614418, 8673090). Loss-of-function variants of BRCA2 are known to be pathogenic (PMID: 8988179, 11897832, 29446198). The variant is reported in ClinVar as pathogenic (ID: 38119) and reviewed by the expert panel. The variant is absent in the general population database (gnomAD). Therefore, the c.778_779del (p.Glu260Serfs*15) variant of BRCA2 has been classified as pathogenic.

This study involves interpretation of variants in research participants for the purpose of population health screening. Participant phenotype was not available at the time of variant classification. Additional details can be found in publication PMID: 35346344, PMCID: PMC8962531

Baylor Genetics
Classification: Pathogenic for Familial cancer of breast. Last evaluated: 2023-11-10. Review status: criteria provided, single submitter. Criteria: ACMG Guidelines, 2015. Collection method: clinical testing. Allele origin: unknown. Not counted in ClinVar's aggregate classification.

GeneDx
Classification: Pathogenic. Last evaluated: 2023-10-09. Review status: criteria provided, single submitter. Criteria: GeneDx Variant Classification Process June 2021. Collection method: clinical testing. Allele origin: germline. Affected: yes. Not counted in ClinVar's aggregate classification.
Comment: Frameshift variant predicted to result in protein truncation or nonsense mediated decay in a gene for which loss-of-function is a known mechanism of disease; Observed in individuals with a personal or family history consistent with pathogenic variants in this gene (PMID: 28008555, 8673090, 30274973); Truncating variants in this gene are considered pathogenic by a well-established clinical consortium and/or database; Not observed at significant frequency in large population cohorts (gnomAD); Also known as 775delAG and 1006delGA; This variant is associated with the following publications: (PMID: 26187060, 26681312, 28008555, 28152038, 28678401, 30274973, 8673090, 33619265, 33084842, 30787465, 20104584, 33471991, 29446198)

NM_000059.4(BRCA2):c.778_779del (p.Glu260fs)

Gene: BRCA2 (BRCA2 DNA repair associated; plus strand). Cytogenetic location: 13q13.1.
Variant type: Microsatellite.
Coding change: c.778_779del on transcript NM_000059.4 (MANE Select); coding-DNA positions 778 to 779, 2 bases deleted (GA; older notation c.778_779delGA).
Protein change: p.Glu260fs; shifts the reading frame from glutamic acid 260.
Molecular consequence: frameshift variant.
Genome position (GRCh38, 1-based): chr13:32,331,015-32,331,016, GA deleted; deleting any 2 consecutive bases within chr13:32,331,012-32,331,016 gives the same sequence; the c. name uses the placement nearest the transcript's 3' end. VCF-style (leftmost placement, unchanged base first): chr13-32331011-AAG-A. GRCh37 (hg19) VCF-style: chr13-32905148-AAG-A.
Other names: 1003delAG; 1006delGA; c.778_779delGA (NM_000059.3); short protein forms E260fs.
Identifiers: ClinVar variation 38119 (VCV000038119.36), dbSNP rs80359677, ClinGen allele CA025258.